The following is an entry in ClinVar:

ClinVar aggregate classification (germline): Uncertain significance (1 of 4 stars; one submission).

gnomAD v4.1: 1 of 1,614,236 alleles (0.000062%); highest among the groups gnomAD compares: Non-Finnish European, 0.000085%; no homozygotes.

Submission:

Labcorp Genetics (formerly Invitae), Labcorp
Classification: Uncertain significance. Last evaluated: 2024-09-03. Review status: criteria provided, single submitter. Criteria: Invitae Variant Classification Sherloc (09022015). Collection method: clinical testing. Allele origin: germline.
Comment: This sequence change creates a premature translational stop signal (p.Gln249*) in the NLRP1 gene. It is expected to result in an absent or disrupted protein product. However, the current clinical and genetic evidence is not sufficient to establish whether loss-of-function variants in NLRP1 cause disease. This variant is present in population databases (no rsID available, gnomAD 0.0009%). This variant has not been reported in the literature in individuals affected with NLRP1-related conditions. In summary, the available evidence is currently insufficient to determine the role of this variant in disease. Therefore, it has been classified as a Variant of Uncertain Significance.

NM_033004.4(NLRP1):c.745C>T (p.Gln249Ter)

Gene: NLRP1 (NLR family pyrin domain containing 1; minus strand). Cytogenetic location: 17p13.2.
Variant type: single nucleotide variant.
Coding change: c.745C>T on transcript NM_033004.4 (MANE Select); coding-DNA position 745, C replaced by T.
Protein change: p.Gln249Ter; replaces glutamine 249 with a stop codon.
Molecular consequence: nonsense.
Genome position (GRCh38, 1-based): chr17:5,559,951, G>A on the plus strand (C>T on the coding strand, the complement: NLRP1 is on the minus strand). VCF-style: chr17-5559951-G-A. GRCh37 (hg19) VCF-style: chr17-5463271-G-A.
Other names: c.745C>T, p.Gln249Ter (NM_001033053.3, NM_014922.5, NM_033006.4 and 1 more transcripts); short protein forms Q249*.
Identifiers: ClinVar variation 3714117 (VCV003714117.2).